The following is an entry in ClinVar:

ClinVar aggregate classification (germline): Uncertain significance (1 of 4 stars; one submission).

gnomAD v4.1: 2 of 1,614,122 alleles (0.00012%); highest among the groups gnomAD compares: Non-Finnish European, 0.00017%; no homozygotes.

Submission:

Ambry Genetics
Classification: Uncertain significance. Last evaluated: 2024-11-17. Review status: criteria provided, single submitter. Criteria: Ambry Variant Classification Scheme 2023. Collection method: clinical testing. Allele origin: germline.
Comment: The p.A1037S variant (also known as c.3109G>T), located in coding exon 1 of the TET2 gene, results from a G to T substitution at nucleotide position 3109. The alanine at codon 1037 is replaced by serine, an amino acid with similar properties. This amino acid position is conserved. In addition, this alteration is predicted to be tolerated by in silico analysis. Based on the available evidence, the clinical significance of this variant remains unclear.

NM_001127208.3(TET2):c.3109G>T (p.Ala1037Ser)

Genes: TET2 (tet methylcytosine dioxygenase 2; plus strand), TET2-AS1 (TET2 antisense RNA 1; minus strand). Cytogenetic location: 4q24.
Variant type: single nucleotide variant.
Coding change: c.3109G>T on transcript NM_001127208.3 (MANE Select); coding-DNA position 3109, G replaced by T.
Protein change: p.Ala1037Ser; replaces alanine 1037 with serine.
Molecular consequence: missense variant.
Genome position (GRCh38, 1-based): chr4:105,237,051, G>T. VCF-style: chr4-105237051-G-T. GRCh37 (hg19) VCF-style: chr4-106158208-G-T.
Other names: c.3109G>T, p.Ala1037Ser (NM_017628.4); short protein forms A1037S.
Identifiers: ClinVar variation 3455289 (VCV003455289.1).